The following is an entry in ClinVar:

NC_012920.1(MT-CO3):m.9456A>G

Gene: MT-CO3 (mitochondrially encoded cytochrome c oxidase III; plus strand).
Variant type: single nucleotide variant.
Genome position: chrM-9456-A-G.
Identifiers: ClinVar variation 693165 (VCV000693165.1), dbSNP rs1603222315, ClinGen allele CA414802984.

ClinVar aggregate classification (germline): Likely benign (1 of 4 stars; one submission).

Conditions:
Leigh syndrome (NULS). Also called: Leigh's necrotizing encephalopathy; Leigh's disease; Leigh Syndrome (mtDNA deletion); Leigh Disease; Subacute necrotizing encephalopathy; Necrotizing encephalopathy infantile subacute of Leigh. Identifiers: Orphanet 506, MedGen C2931891, MONDO:0009723, OMIM 256000.

Submission:

Wong Mito Lab, Molecular and Human Genetics, Baylor College of Medicine
Classification: Likely benign for Leigh syndrome. Last evaluated: 2019-10-17. Review status: criteria provided, single submitter. Criteria: Modified ACMG Guidelines (Unpublished). Collection method: clinical testing. Allele origin: germline.
Comment: The NC_012920.1:m.9456A>G (YP_003024032.1:p.Ile84Val) variant in MTCO3 gene is interpretated to be a Likely Benign variant based on the modified ACMG guidelines (unpublished). This variant meets the following evidence codes: BS1, BP4